The following is an entry in ClinVar:

ClinVar aggregate classification (germline): Uncertain significance (1 of 4 stars; one submission).

Submission:

GeneDx
Classification: Uncertain significance. Last evaluated: 2024-09-30. Review status: criteria provided, single submitter. Criteria: GeneDx Variant Classification Process June 2021. Collection method: clinical testing. Allele origin: germline. Affected: yes.
Comment: Not observed at significant frequency in large population cohorts (gnomAD); In silico analysis supports that this missense variant has a deleterious effect on protein structure/function; Has not been previously published as pathogenic or benign to our knowledge

NM_001110556.2(FLNA):c.5326C>G (p.Pro1776Ala)

Gene: FLNA (filamin A; minus strand). Cytogenetic location: Xq28.
Variant type: single nucleotide variant.
Coding change: c.5326C>G on transcript NM_001110556.2 (MANE Select); coding-DNA position 5326, C replaced by G.
Protein change: p.Pro1776Ala; replaces proline 1776 with alanine.
Molecular consequence: missense variant.
Genome position (GRCh38, 1-based): chrX:154,354,471, G>C on the plus strand (C>G on the coding strand, the complement: FLNA is on the minus strand). VCF-style: chrX-154354471-G-C. GRCh37 (hg19) VCF-style: chrX-153582839-G-C.
Other names: c.5302C>G, p.Pro1768Ala (NM_001456.4); short protein forms P1768A, P1776A.
Identifiers: ClinVar variation 3774898 (VCV003774898.1).